The following is an entry in ClinVar:

ClinVar aggregate classification (germline): Uncertain significance (1 of 4 stars; one submission).

Allele frequency attached by ClinVar (database versions not stated): TOPMed below 0.00001; ExAC 0.00001; gnomAD 0.00001.
gnomAD v4.1: 22 of 1,613,232 alleles (0.0014%); highest among the groups gnomAD compares: East Asian, 0.0022%; no homozygotes.

Submission:

Labcorp Genetics (formerly Invitae), Labcorp
Classification: Uncertain significance. Last evaluated: 2023-08-24. Review status: criteria provided, single submitter. Criteria: Invitae Variant Classification Sherloc (09022015). Collection method: clinical testing. Allele origin: germline.
Comment: This sequence change replaces valine, which is neutral and non-polar, with isoleucine, which is neutral and non-polar, at codon 590 of the SLC44A4 protein (p.Val590Ile). This variant is present in population databases (rs770095927, gnomAD 0.005%). This variant has not been reported in the literature in individuals affected with SLC44A4-related conditions. Advanced modeling of protein sequence and biophysical properties (such as structural, functional, and spatial information, amino acid conservation, physicochemical variation, residue mobility, and thermodynamic stability) performed at Invitae indicates that this missense variant is not expected to disrupt SLC44A4 protein function. In summary, the available evidence is currently insufficient to determine the role of this variant in disease. Therefore, it has been classified as a Variant of Uncertain Significance.

NM_025257.3(SLC44A4):c.1768G>A (p.Val590Ile)

Gene: SLC44A4 (solute carrier family 44 member 4; minus strand). Cytogenetic location: 6p21.33.
Variant type: single nucleotide variant.
Coding change: c.1768G>A on transcript NM_025257.3 (MANE Select); coding-DNA position 1768, G replaced by A.
Protein change: p.Val590Ile; replaces valine 590 with isoleucine.
Molecular consequence: missense variant.
Genome position (GRCh38, 1-based): chr6:31,865,073, C>T on the plus strand (G>A on the coding strand, the complement: SLC44A4 is on the minus strand). VCF-style: chr6-31865073-C-T. GRCh37 (hg19) VCF-style: chr6-31832850-C-T.
Other names: c.1642G>A, p.Val548Ile (NM_001178044.2); c.1540G>A, p.Val514Ile (NM_001178045.2); c.1768G>A, p.Val590Ile (NM_032794.1); short protein forms V548I, V514I, V590I.
Identifiers: ClinVar variation 2796041 (VCV002796041.3), dbSNP rs770095927, ClinGen allele CA3725263.
Genomic context (GRCh38, chr6:31,865,073, plus strand): 5'-CGCCTCCGACCACCAGCAGCTTCCCAAAGAACAGCAGCAGGTCTGTGACTTTGTCCAGGA[C>T]GACCACCCTGTGCCAGAAGTTAGGGCAGGTTGAGGGTGAGAGGCCTGGCAATGCTGAGAG-3'
Protein context (NP_079533.2, residues 580-600): LLMRNIVRVV[Val590Ile]LDKVTDLLLF